The following is an entry in ClinVar:

NM_000545.8(HNF1A):c.*1071G>A

Genes: C12orf43 (chromosome 12 open reading frame 43; minus strand), HNF1A (HNF1 homeobox A; plus strand). Cytogenetic location: 12q24.31.
Variant type: single nucleotide variant.
Coding change: c.*1071G>A on transcript NM_000545.8 (MANE Select); 1071 bases downstream of the stop codon, G replaced by A.
Molecular consequence: 3 prime UTR variant.
Genome position (GRCh38, 1-based): chr12:121,002,263, G>A. VCF-style: chr12-121002263-G-A. GRCh37 (hg19) VCF-style: chr12-121440066-G-A.
Other names: c.*1890C>T (NM_001286191.2, NM_001286196.2, NM_022895.3); c.*1071G>A (NM_001306179.2, NM_001406915.1).
Identifiers: ClinVar variation 1727241 (VCV001727241.1), dbSNP rs886049035, ClinGen allele CA244514600.

ClinVar aggregate classification (germline): Benign (1 of 4 stars; one submission).

Conditions:
Maturity-onset diabetes of the young (MODY). Also called: Maturity onset diabetes mellitus in young. Identifiers: Orphanet 552, MedGen C0342276, MONDO:0018911, HP:0004904.

Allele frequency attached by ClinVar (database versions not stated): gnomAD 0.00001; gnomAD exomes 0.00002.
gnomAD v4.1: 8 of 439,870 alleles (0.0018%); highest among the groups gnomAD compares: Middle Eastern, 0.039%; no homozygotes.

Submission:

Clinical Genomics, Uppaluri K&H Personalized Medicine Clinic
Classification: Benign for Maturity-onset diabetes of the young. Review status: criteria provided, single submitter. Criteria: K & H Uppaluri Personalized Medicine Clinic Variant Classification & Assertion Criteria_Updated V.1. Collection method: research. Allele origin: unknown. Inheritance: Autosomal dominant inheritance.
Comment: Mutations in HNF1A gene can predispose to MODY3. It is associated with both micro and macrovascular complications of diabetes, especially cardiovascular complications. Associated with glucosuria. May respond well to sulfonylureas. However, more evidence is required to confer the association of this particular variant rs886049035 with MODY3.

Literature cited by the submitters: PubMed 31517624; PubMed 32395877; PubMed 35328643; PubMed 35673428.